The following is an entry in ClinVar:

NM_024422.6(DSC2):c.1707C>T (p.Asp569=)

Gene: DSC2 (desmocollin 2; minus strand). Cytogenetic location: 18q12.1.
Variant type: single nucleotide variant.
Coding change: c.1707C>T on transcript NM_024422.6 (MANE Select); coding-DNA position 1707, C replaced by T.
Protein change: p.Asp569=; no amino-acid change (aspartic acid 569 retained).
Molecular consequence: synonymous variant.
Genome position (GRCh38, 1-based): chr18:31,074,864, G>A on the plus strand (C>T on the coding strand, the complement: DSC2 is on the minus strand). VCF-style: chr18-31074864-G-A. GRCh37 (hg19) VCF-style: chr18-28654830-G-A.
Other names: c.1707C>T, p.Asp569= (NM_004949.5); c.1707C>T (NM_024422.4).
Identifiers: ClinVar variation 926241 (VCV000926241.14), dbSNP rs201517977, ClinGen allele CA032849.

ClinVar aggregate classification (germline): Likely benign. Review status: criteria provided, multiple submitters, no conflicts (2 of 4 stars). 5 submissions from 5 submitters: Likely benign (5). Last evaluated 2025-04-09.

Conditions:
Cardiovascular phenotype. Identifiers: MedGen CN230736.
Cardiomyopathy (CMYO). Also called: Cardiomyopathies. Identifiers: Orphanet 167848, MedGen C0878544, MONDO:0004994, HP:0001638. Inheritance: Various modes of inheritance.
Familial isolated arrhythmogenic right ventricular dysplasia. Identifiers: Orphanet 217656, MedGen C4274968, MONDO:0016342.
Arrhythmogenic right ventricular dysplasia 11. Also called: ARRHYTHMOGENIC RIGHT VENTRICULAR DYSPLASIA, FAMILIAL, 11; Arrhythmogenic Right Ventricular Dysplasia/Cardiomyopathy11; Arrhythmogenic right ventricular dysplasia 11 with mild palmoplantar keratoderma and woolly hair. Identifiers: MedGen C1864850, MONDO:0012506, OMIM 610476.

Allele frequency attached by ClinVar (database versions not stated): TOPMed 0.00001.
gnomAD v4.1: 29 of 1,613,784 alleles (0.0018%); highest among the groups gnomAD compares: East Asian, 0.0045%; no homozygotes.

Submissions (5):

Molecular Diagnostic Laboratory for Inherited Cardiovascular Disease, Montreal Heart Institute
Classification: Likely benign. Last evaluated: 2025-04-09. Review status: criteria provided, single submitter. Criteria: ACMG Guidelines, 2015. Collection method: clinical testing. Allele origin: germline. Affected: no.

Labcorp Genetics (formerly Invitae), Labcorp
Classification: Likely benign for Arrhythmogenic right ventricular dysplasia 11. Last evaluated: 2024-11-18. Review status: criteria provided, single submitter. Criteria: Invitae Variant Classification Sherloc (09022015). Collection method: clinical testing. Allele origin: germline.

All of Us Research Program, National Institutes of Health
Classification: Likely benign for Familial isolated arrhythmogenic right ventricular dysplasia. Last evaluated: 2024-02-05. Review status: criteria provided, single submitter. Criteria: ACMG Guidelines, 2015. Collection method: clinical testing. Allele origin: germline. Inheritance: Autosomal dominant inheritance. Observed: 2 variant alleles, 2 heterozygotes.
Comment: This study involves interpretation of variants in research participants for the purpose of population health screening. Participant phenotype was not available at the time of variant classification. Additional details can be found in publication PMID: 35346344, PMCID: PMC8962531

Ambry Genetics
Classification: Likely benign for Cardiovascular phenotype. Last evaluated: 2021-07-07. Review status: criteria provided, single submitter. Criteria: Ambry Variant Classification Scheme 2023. Collection method: clinical testing. Allele origin: germline.

Color Diagnostics, LLC DBA Color Health
Classification: Likely benign for Cardiomyopathy. Last evaluated: 2018-12-03. Review status: criteria provided, single submitter. Criteria: ACMG Guidelines, 2015. Collection method: clinical testing. Allele origin: germline.